The following is an entry in ClinVar:

ClinVar aggregate classification (germline): Pathogenic (1 of 4 stars; one submission).

Conditions:
Hereditary diffuse gastric adenocarcinoma (HDGC). Also called: DIFFUSE GASTRIC AND LOBULAR BREAST CANCER SYNDROME. Identifiers: Orphanet 26106, MedGen C1708349, MONDO:0007648, OMIM 137215.

Submission:

Myriad Genetics, Inc.
Classification: Pathogenic for Hereditary diffuse gastric adenocarcinoma. Last evaluated: 2023-06-15. Review status: criteria provided, single submitter. Criteria: Myriad Autosomal Dominant, Autosomal Recessive and X-Linked Classification Criteria (2023). Collection method: clinical testing. Allele origin: unknown.
Comment: This variant is considered pathogenic. This variant creates a frameshift predicted to result in premature protein truncation.

NM_004360.5(CDH1):c.2297_2307delinsTTGA (p.Asp766fs)

Gene: CDH1 (cadherin 1; plus strand). Cytogenetic location: 16q22.1.
Variant type: Indel.
Coding change: c.2297_2307delinsTTGA on transcript NM_004360.5 (MANE Select); coding-DNA positions 2297 to 2307, ACTTTGACTTG replaced by TTGA.
Protein change: p.Asp766fs; shifts the reading frame from aspartic acid 766.
Molecular consequence: frameshift variant.
Genome position (GRCh38, 1-based): chr16:68,829,655-68,829,665, ACTTTGACTTG replaced by TTGA. VCF-style: chr16-68829655-ACTTTGACTTG-TTGA. GRCh37 (hg19) VCF-style: chr16-68863558-ACTTTGACTTG-TTGA.
Other names: c.2114_2124delinsTTGA, p.Asp705fs (NM_001317184.2); c.749_759delinsTTGA, p.Asp250fs (NM_001317185.2); c.332_342delinsTTGA, p.Asp111fs (NM_001317186.2); short protein forms D111fs, D250fs, D705fs, D766fs.
Identifiers: ClinVar variation 2583720 (VCV002583720.2), dbSNP rs2543956688, ClinGen allele CA2582342527.
Genomic context (GRCh38, chr16:68,829,655, plus strand): 5'-TGTGTGTATGACTATTTCTTTCCTACTCTTCATTGTACTTCAACCTTTTTTCTCCAAAGG[ACTTTGACTTG>TTGA]AGCCAGCTGCACAGGGGCCTGGACGCTCGGCCTGAAGTGACTCGTAACGACGTTGCACCA-3'